The following is an entry in ClinVar:

NM_001723.7(DST):c.49A>G (p.Asn17Asp)

Gene: DST (dystonin; minus strand). Cytogenetic location: 6p12.1.
Variant type: single nucleotide variant.
Coding change: c.49A>G on transcript NM_001723.7 (MANE Plus Clinical); coding-DNA position 49, A replaced by G.
Protein change: p.Asn17Asp; replaces asparagine 17 with aspartic acid.
Molecular consequence: missense variant. On other transcripts: intron variant (9).
Genome position (GRCh38, 1-based): chr6:56,642,740, T>C on the plus strand (A>G on the coding strand, the complement: DST is on the minus strand). VCF-style: chr6-56642740-T-C. GRCh37 (hg19) VCF-style: chr6-56507538-T-C.
Other names: c.49A>G, p.Asn17Asp (NM_015548.5); c.1680-237A>G (NM_001144769.5); c.1779-237A>G (NM_001374722.1, NM_001374736.1); c.1806-237A>G (NM_001374734.1); c.1266-237A>G (NM_001144770.2); c.1146-237A>G (NM_001374730.1, NM_001386100.1, NM_183380.4 and 1 more transcripts); short protein forms N17D.
Identifiers: ClinVar variation 541445 (VCV000541445.9), dbSNP rs1554555956, ClinGen allele CA364615654.

ClinVar aggregate classification (germline): Uncertain significance (1 of 4 stars; one submission).

Conditions:
Hereditary sensory and autonomic neuropathy type 6. Also called: HSAN VI; Neuropathy, hereditary sensory and autonomic, type VI. Identifiers: Orphanet 314381, MedGen C3539003, MONDO:0013839, OMIM 614653.
Epidermolysis bullosa simplex 3, localized or generalized intermediate, with BP230 deficiency (EBS3). Also called: Epidermolysis bullosa simplex, autosomal recessive 2; Epidermolysis bullosa simplex due to BP230 deficiency. Identifiers: Orphanet 412181, MedGen C3809470, MONDO:0014180, OMIM 615425.

Allele frequency attached by ClinVar (database versions not stated): gnomAD exomes 0.00001.
gnomAD v4.1: 13 of 1,614,126 alleles (0.00081%); highest among the groups gnomAD compares: Non-Finnish European, 0.001%; no homozygotes.

Submission:

Labcorp Genetics (formerly Invitae), Labcorp
Classification: Uncertain significance for Epidermolysis bullosa simplex 3, localized or generalized intermediate, with BP230 deficiency; Hereditary sensory and autonomic neuropathy type 6. Last evaluated: 2024-02-19. Review status: criteria provided, single submitter. Criteria: Invitae Variant Classification Sherloc (09022015). Collection method: clinical testing. Allele origin: germline.
Comment: This sequence change replaces asparagine, which is neutral and polar, with aspartic acid, which is acidic and polar, at codon 17 of the DST protein (p.Asn17Asp). This variant is not present in population databases (gnomAD no frequency). This variant has not been reported in the literature in individuals affected with DST-related conditions. ClinVar contains an entry for this variant (Variation ID: 541445). An algorithm developed to predict the effect of missense changes on protein structure and function (PolyPhen-2) suggests that this variant is likely to be disruptive. In summary, the available evidence is currently insufficient to determine the role of this variant in disease. Therefore, it has been classified as a Variant of Uncertain Significance.